The following is an entry in ClinVar:

ClinVar aggregate classification (germline): Pathogenic (3 of 4 stars; one submission).

Conditions:
Glanzmann thrombasthenia. Also called: THROMBASTHENIA OF GLANZMANN AND NAEGELI; BLEEDING DISORDER, PLATELET-TYPE, 2; Thrombasthenia; PLATELET GLYCOPROTEIN IIb-IIIa DEFICIENCY; Glanzmann's thrombasthenia. Identifiers: Orphanet 849, MedGen C0040015, MONDO:0100326.

Submission:

ClinGen Platelet Disorders Variant Curation Expert Panel, ClinGen
Classification: Pathogenic for Glanzmann thrombasthenia. Last evaluated: 2021-07-14. Review status: reviewed by expert panel. Criteria: ClinGen Platelet ACMG Specifications v2. Collection method: curation. Allele origin: germline. Inheritance: Autosomal recessive inheritance.
Comment: The ITGA2B frameshift variant NM_000419.5:c.727del (p.Leu243PhefsTer136) introduces a frameshift in exon 7 of 30 total exons and premature termination codon in exon 12. The resulting mRNA product is predicted to undergo nonsense mediated decay, leading to loss of normal protein function. This variant has been observed in homozygosity in one individual with a phenotype specific for Glanzmann's thrombasthenia (GT) (GT41, PMID: 16463284). Furthermore, this variant is absent from population databases. In summary, this variant meets criteria to be classified as pathogenic for GT. GT-specific criteria applied: PVS1, PM3_Supporting, PP4_Moderate, and PM2_Supporting.

NM_000419.5(ITGA2B):c.727del (p.Leu243fs)

Gene: ITGA2B (integrin subunit alpha 2b; minus strand). Cytogenetic location: 17q21.31.
Variant type: Deletion.
Coding change: c.727del on transcript NM_000419.5 (MANE Select); coding-DNA position 727, one base deleted (C; older notation c.727delC).
Protein change: p.Leu243fs; shifts the reading frame from leucine 243.
Molecular consequence: frameshift variant.
Genome position (GRCh38, 1-based): chr17:44,385,020, G deleted on the plus strand (C on the coding strand, the reverse complement: ITGA2B is on the minus strand); the first of 2 consecutive G bases (chr17:44,385,020-44,385,021); deleting either gives the same sequence. VCF-style (leftmost placement, unchanged base first): chr17-44385019-AG-A. GRCh37 (hg19) VCF-style: chr17-42462387-AG-A.
Other names: NM_000419.5:c.727del; short protein forms L243fs.
Identifiers: ClinVar variation 1330329 (VCV001330329.1), dbSNP rs2143484108, ClinGen allele CA915940727.